The following is an entry in ClinVar:

NM_001130987.2(DYSF):c.5638A>T (p.Lys1880Ter)

Gene: DYSF (dysferlin; plus strand). Cytogenetic location: 2p13.2.
Variant type: single nucleotide variant.
Coding change: c.5638A>T on transcript NM_001130987.2 (MANE Select); coding-DNA position 5638, A replaced by T.
Protein change: p.Lys1880Ter; replaces lysine 1880 with a stop codon.
Molecular consequence: nonsense.
Genome position (GRCh38, 1-based): chr2:71,669,203, A>T. VCF-style: chr2-71669203-A-T. GRCh37 (hg19) VCF-style: chr2-71896333-A-T.
Other names: c.5524A>T, p.Lys1842Ter (NM_001130455.2); c.5479A>T, p.Lys1827Ter (NM_001130976.2); c.5542A>T, p.Lys1848Ter (NM_001130977.2); c.5584A>T, p.Lys1862Ter (NM_001130978.2); c.5614A>T, p.Lys1872Ter (NM_001130979.2); c.5572A>T, p.Lys1858Ter (NM_001130980.2); c.5635A>T, p.Lys1879Ter (NM_001130981.2); c.5617A>T, p.Lys1873Ter (NM_001130982.2); and 5 more; short protein forms K1827*, K1828*, K1841*, K1842*, K1848*, K1849*, K1858*, K1859*.
Identifiers: ClinVar variation 984250 (VCV000984250.4), dbSNP rs1320752132, ClinGen allele CA347223148.

ClinVar aggregate classification (germline): Likely pathogenic (1 of 4 stars; one submission).

Conditions:
Autosomal recessive limb-girdle muscular dystrophy. Identifiers: Orphanet 102015, MedGen C2931907, MONDO:0015152.

Submission:

Myriad Genetics, Inc.
Classification: Likely pathogenic for Autosomal recessive limb-girdle muscular dystrophy. Last evaluated: 2020-03-02. Review status: criteria provided, single submitter. Criteria: Myriad Autosomal Dominant, Autosomal Recessive and X-Linked Classification Criteria (2023). Collection method: clinical testing. Allele origin: unknown.
Comment: NM_003494.3(DYSF):c.5521A>T(K1841*) is expected to be pathogenic in the context of dysferlinopathy. This variant is predicted to lead to an abnormal or absent protein product due to the creation of a premature termination codon in DYSF, a gene where loss-of-function variants are known to be pathogenic. Please note: this variant was assessed in the context of healthy population screening.